The following is an entry in ClinVar:

ClinVar aggregate classification (germline): Likely benign. Review status: criteria provided, multiple submitters, no conflicts (2 of 4 stars). 2 submissions from 2 submitters: Likely benign (2). Last evaluated 2026-07-28.

Conditions:
Focal segmental glomerulosclerosis 5 (FSGS5). Identifiers: Orphanet 656, MedGen C2750475, MONDO:0013191, OMIM 613237.
Charcot-Marie-Tooth disease dominant intermediate E. Also called: CHARCOT-MARIE-TOOTH NEUROPATHY WITH FOCAL SEGMENTAL GLOMERULONEPHRITIS. Identifiers: Orphanet 93114, MedGen C4302667, MONDO:0013758, OMIM 614455.
INF2-related disorder. Also called: INF2-related condition.

Allele frequency attached by ClinVar (database versions not stated): TOPMed below 0.00001.

Submissions (2):

PreventionGenetics, part of Exact Sciences
Classification: Likely benign for INF2-related condition. Last evaluated: 2026-07-28. Review status: criteria provided, single submitter. Criteria: ACMG Guidelines, 2015. Collection method: clinical testing. Allele origin: germline.
Comment: This variant is classified as likely benign based on ACMG/AMP sequence variant interpretation guidelines (Richards et al. 2015 PMID: 25741868, with internal and published modifications).

Labcorp Genetics (formerly Invitae), Labcorp
Classification: Likely benign for Charcot-Marie-Tooth disease dominant intermediate E; Focal segmental glomerulosclerosis 5. Last evaluated: 2025-06-15. Review status: criteria provided, single submitter. Criteria: Invitae Variant Classification Sherloc (09022015). Collection method: clinical testing. Allele origin: germline.

NM_022489.4(INF2):c.1341C>T (p.Pro447=)

Gene: INF2 (inverted formin 2; plus strand). Cytogenetic location: 14q32.33.
Variant type: single nucleotide variant.
Coding change: c.1341C>T on transcript NM_022489.4 (MANE Select); coding-DNA position 1341, C replaced by T.
Protein change: p.Pro447=; no amino-acid change (proline 447 retained).
Molecular consequence: synonymous variant.
Genome position (GRCh38, 1-based): chr14:104,707,608, C>T. VCF-style: chr14-104707608-C-T. GRCh37 (hg19) VCF-style: chr14-105173945-C-T.
Other names: c.1341C>T, p.Pro447= (NM_001031714.4); c.1341C>T (NM_022489.3).
Identifiers: ClinVar variation 2183492 (VCV002183492.5), dbSNP rs1566781692, ClinGen allele CA488715889.